The following is an entry in ClinVar:

ClinVar aggregate classification (germline): Pathogenic (1 of 4 stars; one submission).

Conditions:
Fetal anomalies with a likely genetic cause.

Submission:

Genetics Laboratory, Great Ormond Street Hospital NHS Foundation Trust, North Thames Genomic Laboratory Hub
Classification: Pathogenic for Fetal anomalies with a likely genetic cause. Last evaluated: 2026-03-16. Review status: criteria provided, single submitter. Criteria: ACGS Best Practice Guidelines for Variant Classification in Rare Disease 2024 v1.2. Collection method: clinical testing. Allele origin: germline. Affected: yes.
Comment: PM2_moderate, PVS1_very-strong

NM_015166.4(MLC1):c.918del (p.Leu307fs)

Gene: MLC1 (modulator of VRAC current 1; minus strand). Cytogenetic location: 22q13.33.
Variant type: Deletion.
Coding change: c.918del on transcript NM_015166.4 (MANE Select); coding-DNA position 918, one base deleted (G; older notation c.918delG).
Protein change: p.Leu307fs; shifts the reading frame from leucine 307.
Molecular consequence: frameshift variant. On other transcripts: non-coding transcript variant (3).
Genome position (GRCh38, 1-based): chr22:50,064,175, C deleted on the plus strand (G on the coding strand, the reverse complement: MLC1 is on the minus strand). VCF-style (leftmost placement, unchanged base first): chr22-50064174-GC-G. GRCh37 (hg19) VCF-style: chr22-50502603-GC-G.
Other names: c.918del, p.Leu307fs (NM_001376473.1, NM_001376474.1, NM_001376472.1 and 5 more transcripts); c.762del, p.Leu255fs (NM_001376483.1, NM_001376482.1); c.681del, p.Leu228fs (NM_001376484.1); c.861del, p.Leu288fs (NM_001376479.1); c.828del, p.Leu277fs (NM_001376480.1); c.816del, p.Leu273fs (NM_001376481.1); short protein forms L228fs, L255fs, L273fs, L277fs, L288fs, L307fs.
Identifiers: ClinVar variation 4850863 (VCV004850863.1).